The following is an entry in ClinVar:

NM_006031.6(PCNT):c.3064A>G (p.Lys1022Glu)

Gene: PCNT (pericentrin; plus strand). Cytogenetic location: 21q22.3.
Variant type: single nucleotide variant.
Coding change: c.3064A>G on transcript NM_006031.6 (MANE Select); coding-DNA position 3064, A replaced by G.
Protein change: p.Lys1022Glu; replaces lysine 1022 with glutamic acid.
Molecular consequence: missense variant.
Genome position (GRCh38, 1-based): chr21:46,367,038, A>G. VCF-style: chr21-46367038-A-G. GRCh37 (hg19) VCF-style: chr21-47786953-A-G.
Other names: c.2710A>G, p.Lys904Glu (NM_001315529.2); short protein forms K1022E, K904E.
Identifiers: ClinVar variation 2117511 (VCV002117511.4), dbSNP rs2518264100, ClinGen allele CA410570274.
Genomic context (GRCh38, chr21:46,367,038, plus strand): 5'-TGGAAAAAGGACTCTCTTCACCAAACGATTTTGACTCAAGAGTTGGAGAAACTGAAGCGG[A>G]AACACGAAGGGGAGCTACAGTCTGTGCGGGACCACCTGCGAACCGAAGTGAGCACAGAGC-3'
Protein context (NP_006022.3, residues 1012-1032): LTQELEKLKR[Lys1022Glu]HEGELQSVRD

ClinVar aggregate classification (germline): Uncertain significance (1 of 4 stars; one submission).

Allele frequency attached by ClinVar (database versions not stated): gnomAD exomes below 0.00001.
gnomAD v4.1: 1 of 1,614,148 alleles (0.000062%); highest among the groups gnomAD compares: Non-Finnish European, 0.000085%; no homozygotes.

Submission:

Labcorp Genetics (formerly Invitae), Labcorp
Classification: Uncertain significance. Last evaluated: 2024-04-08. Review status: criteria provided, single submitter. Criteria: Invitae Variant Classification Sherloc (09022015). Collection method: clinical testing. Allele origin: germline.
Comment: This sequence change replaces lysine, which is basic and polar, with glutamic acid, which is acidic and polar, at codon 1022 of the PCNT protein (p.Lys1022Glu). This variant is not present in population databases (gnomAD no frequency). This variant has not been reported in the literature in individuals affected with PCNT-related conditions. ClinVar contains an entry for this variant (Variation ID: 2117511). Algorithms developed to predict the effect of missense changes on protein structure and function output the following: SIFT: "Not Available"; PolyPhen-2: "Possibly Damaging"; Align-GVGD: "Not Available". The glutamic acid amino acid residue is found in multiple mammalian species, which suggests that this missense change does not adversely affect protein function. In summary, the available evidence is currently insufficient to determine the role of this variant in disease. Therefore, it has been classified as a Variant of Uncertain Significance.